The following is an entry in ClinVar:

ClinVar aggregate classification (germline): Likely benign. Review status: criteria provided, multiple submitters, no conflicts (2 of 4 stars). 4 submissions from 4 submitters: Likely benign (3). 1 of the submissions does not count toward it. Last evaluated 2026-01-20.

Conditions:
Cardiovascular phenotype. Identifiers: MedGen CN230736.
ALMS1-related disorder. Also called: ALMS1-related condition.
Alstrom syndrome (ALMS). Identifiers: Orphanet 64, MedGen C0268425, MONDO:0008763, OMIM 203800.

Allele frequency attached by ClinVar (database versions not stated): gnomAD exomes 0.00003 and 0.00006; ExAC 0.00007; ESP Exome Variant Server 0.00008; gnomAD 0.00011 and 0.00013; TOPMed 0.00012; 1000 Genomes Project 30x 0.00016; 1000 Genomes Project 0.00020.

Submissions (4):

Labcorp Genetics (formerly Invitae), Labcorp
Classification: Likely benign for Alstrom syndrome. Last evaluated: 2026-01-20. Review status: criteria provided, single submitter. Criteria: Invitae Variant Classification Sherloc (09022015). Collection method: clinical testing. Allele origin: germline.

PreventionGenetics, part of Exact Sciences
Classification: Likely benign for ALMS1-related condition. Last evaluated: 2025-05-16. Review status: criteria provided, single submitter. Criteria: ACMG Guidelines, 2015. Collection method: clinical testing. Allele origin: germline.
Comment: This variant is classified as likely benign based on ACMG/AMP sequence variant interpretation guidelines (Richards et al. 2015 PMID: 25741868, with internal and published modifications).

Ambry Genetics
Classification: Likely benign for Cardiovascular phenotype. Last evaluated: 2021-03-23. Review status: criteria provided, single submitter. Criteria: Ambry Variant Classification Scheme 2023. Collection method: clinical testing. Allele origin: germline.

Natera, Inc.
Classification: Likely benign for Alstrom syndrome. Last evaluated: 2020-08-21. Review status: no assertion criteria provided. Collection method: clinical testing. Allele origin: germline. Not counted in ClinVar's aggregate classification.

NM_001378454.1(ALMS1):c.1701A>G (p.Thr567=)

Gene: ALMS1 (ALMS1 centrosome and basal body associated protein; plus strand). Cytogenetic location: 2p13.1.
Variant type: single nucleotide variant.
Coding change: c.1701A>G on transcript NM_001378454.1 (MANE Select); coding-DNA position 1701, A replaced by G.
Protein change: p.Thr567=; no amino-acid change (threonine 567 retained).
Molecular consequence: synonymous variant.
Genome position (GRCh38, 1-based): chr2:73,448,228, A>G. VCF-style: chr2-73448228-A-G. GRCh37 (hg19) VCF-style: chr2-73675355-A-G.
Other names: c.1704A>G, p.Thr568= (NM_015120.4).
Identifiers: ClinVar variation 1129431 (VCV001129431.14), dbSNP rs184736482, ClinGen allele CA1713211.